The following is an entry in ClinVar:

ClinVar aggregate classification (germline): Pathogenic (1 of 4 stars; one submission).

Submission:

Athena Diagnostics
Classification: Pathogenic. Last evaluated: 2022-10-24. Review status: criteria provided, single submitter. Criteria: Athena Diagnostics Criteria. Collection method: clinical testing. Allele origin: unknown.
Comment: This variant is expected to result in the loss of a functional protein. A similar deletion of exon 62 has been identified in multiple males with DMD. Similar variants have not been reported in large, multi-ethnic general populations (Genome Aggregation Database (gnomAD), Cambridge, MA (URL)).

Literature cited by the submitters: PubMed 12754707; PubMed 31705731; PubMed 25972034; PubMed 31404137; PubMed 20847377; PubMed 33101180; PubMed 34629887; PubMed 33644936; PubMed 19602481.

Single allele

Gene: DMD (dystrophin; minus strand). Cytogenetic location: Xp21.2.
Variant type: Deletion.
Identifiers: ClinVar variation 2684179 (VCV002684179.1).